The following is an entry in ClinVar:

ClinVar aggregate classification (germline): Uncertain significance (1 of 4 stars; one submission).

Conditions:
ADCY3-related disorder. Also called: ADCY3-related condition.

gnomAD v4.1: 36 of 1,613,706 alleles (0.0022%); highest among the groups gnomAD compares: East Asian, 0.045%; no homozygotes.

Submission:

PreventionGenetics, part of Exact Sciences
Classification: Uncertain significance for ADCY3-related condition. Last evaluated: 2026-08-03. Review status: criteria provided, single submitter. Criteria: ACMG Guidelines, 2015. Collection method: clinical testing. Allele origin: germline.
Comment: The ADCY3 c.1724G>A variant is predicted to result in the amino acid substitution p.Arg575Gln. To our knowledge, this variant has not been reported in the literature. This variant is reported in 0.016% of alleles in individuals of East Asian descent in gnomAD. At this time, the clinical significance of this variant is uncertain due to the absence of conclusive functional and genetic evidence.

NM_004036.5(ADCY3):c.1724G>A (p.Arg575Gln)

Gene: ADCY3 (adenylate cyclase 3; minus strand). Cytogenetic location: 2p23.3.
Variant type: single nucleotide variant.
Coding change: c.1724G>A on transcript NM_004036.5 (MANE Select); coding-DNA position 1724, G replaced by A.
Protein change: p.Arg575Gln; replaces arginine 575 with glutamine.
Molecular consequence: missense variant.
Genome position (GRCh38, 1-based): chr2:24,834,875, C>T on the plus strand (G>A on the coding strand, the complement: ADCY3 is on the minus strand). VCF-style: chr2-24834875-C-T. GRCh37 (hg19) VCF-style: chr2-25057744-C-T.
Other names: c.1724G>A, p.Arg575Gln (NM_001320613.2, NM_001377129.1, NM_001377130.1 and 1 more transcripts); c.1790G>A, p.Arg597Gln (NM_001377128.1); c.1001G>A, p.Arg334Gln (NM_001377131.1); short protein forms R575Q, R597Q, R334Q.
Identifiers: ClinVar variation 4978883 (VCV004978883.1).